The following is an entry in ClinVar:

NM_080680.3(COL11A2):c.4057G>A (p.Val1353Met)

Gene: COL11A2 (collagen type XI alpha 2 chain; minus strand). Cytogenetic location: 6p21.32.
Variant type: single nucleotide variant.
Coding change: c.4057G>A on transcript NM_080680.3 (MANE Select); coding-DNA position 4057, G replaced by A.
Protein change: p.Val1353Met; replaces valine 1353 with methionine.
Molecular consequence: missense variant.
Genome position (GRCh38, 1-based): chr6:33,167,491, C>T on the plus strand (G>A on the coding strand, the complement: COL11A2 is on the minus strand). VCF-style: chr6-33167491-C-T. GRCh37 (hg19) VCF-style: chr6-33135268-C-T.
Other names: c.3736G>A, p.Val1246Met (NM_080679.3); c.3799G>A, p.Val1267Met (NM_080681.3); short protein forms V1246M, V1267M, V1353M.
Identifiers: ClinVar variation 1254163 (VCV001254163.10), dbSNP rs752706766, ClinGen allele CA3750237.

ClinVar aggregate classification (germline): Conflicting classifications of pathogenicity. Review status: criteria provided, conflicting classifications (1 of 4 stars). 4 submissions from 4 submitters: Uncertain significance (3); Benign (1). Last evaluated 2025-05-26.

Conditions:
Inborn genetic diseases. Identifiers: MedGen C0950123, MeSH D030342.

Allele frequency attached by ClinVar (database versions not stated): gnomAD 0.00005 and 0.00006; gnomAD exomes below 0.00001; ExAC 0.00001; TOPMed 0.00003.
gnomAD v4.1: 12 of 1,612,776 alleles (0.00074%); highest among the groups gnomAD compares: African/African-American, 0.015%; no homozygotes.

Submissions (4):

Ambry Genetics
Classification: Uncertain significance for Inborn genetic diseases. Last evaluated: 2025-05-26. Review status: criteria provided, single submitter. Criteria: Ambry Variant Classification Scheme 2023. Collection method: clinical testing. Allele origin: germline.

Labcorp Genetics (formerly Invitae), Labcorp
Classification: Benign. Last evaluated: 2025-01-13. Review status: criteria provided, single submitter. Criteria: Invitae Variant Classification Sherloc (09022015). Collection method: clinical testing. Allele origin: germline.

Blueprint Genetics
Classification: Uncertain significance. Last evaluated: 2021-11-04. Review status: criteria provided, single submitter. Criteria: ACMG Guidelines, 2015. Collection method: clinical testing. Allele origin: germline.

GeneDx
Classification: Uncertain significance. Last evaluated: 2021-08-24. Review status: criteria provided, single submitter. Criteria: GeneDx Variant Classification Process June 2021. Collection method: clinical testing. Allele origin: germline. Affected: yes.
Comment: Has not been previously published as pathogenic or benign to our knowledge; In silico analysis supports that this missense variant does not alter protein structure/function